The following is an entry in ClinVar:

NM_024407.5(NDUFS7):c.439G>A (p.Val147Met)

Gene: NDUFS7 (NADH:ubiquinone oxidoreductase core subunit S7; plus strand). Cytogenetic location: 19p13.3.
Variant type: single nucleotide variant.
Coding change: c.439G>A on transcript NM_024407.5 (MANE Select); coding-DNA position 439, G replaced by A.
Protein change: p.Val147Met; replaces valine 147 with methionine.
Molecular consequence: missense variant.
Genome position (GRCh38, 1-based): chr19:1,391,149, G>A. VCF-style: chr19-1391149-G-A. GRCh37 (hg19) VCF-style: chr19-1391148-G-A.
Other names: c.439G>A, p.Val147Met (NM_001363602.2); short protein forms V147M.
Identifiers: ClinVar variation 423998 (VCV000423998.19), dbSNP rs371666279, ClinGen allele CA9043382.

ClinVar aggregate classification (germline): Conflicting classifications of pathogenicity. Review status: criteria provided, conflicting classifications (1 of 4 stars). 4 submissions from 4 submitters: Likely pathogenic (1); Uncertain significance (3). Last evaluated 2025-09-24.

Conditions:
Mitochondrial complex I deficiency, nuclear type 3. Also called: Mitochondrial complex 1 deficiency, nuclear type 3. Identifiers: MedGen C4748752, MONDO:0032608, OMIM 618224.

Allele frequency attached by ClinVar (database versions not stated): gnomAD exomes 0.00003 and 0.00004; gnomAD 0.00004 and 0.00005; TOPMed 0.00006; ExAC 0.00007; ESP Exome Variant Server 0.00008; 1000 Genomes Project 30x 0.00016; 1000 Genomes Project 0.00020.

Submissions (4):

Labcorp Genetics (formerly Invitae), Labcorp
Classification: Uncertain significance. Last evaluated: 2025-09-24. Review status: criteria provided, single submitter. Criteria: Invitae Variant Classification Sherloc (09022015). Collection method: clinical testing. Allele origin: germline.
Comment: This sequence change replaces valine, which is neutral and non-polar, with methionine, which is neutral and non-polar, at codon 147 of the NDUFS7 protein (p.Val147Met). This variant is present in population databases (rs371666279, gnomAD 0.01%). This variant has not been reported in the literature in individuals affected with NDUFS7-related conditions. ClinVar contains an entry for this variant (Variation ID: 423998). An algorithm developed to predict the effect of missense changes on protein structure and function (PolyPhen-2) suggests that this variant is likely to be disruptive. In summary, the available evidence is currently insufficient to determine the role of this variant in disease. Therefore, it has been classified as a Variant of Uncertain Significance.

GeneDx
Classification: Likely pathogenic. Last evaluated: 2024-10-02. Review status: criteria provided, single submitter. Criteria: GeneDx Variant Classification Process June 2021. Collection method: clinical testing. Allele origin: germline. Affected: yes.
Comment: Not observed at significant frequency in large population cohorts (gnomAD); In silico analysis supports that this missense variant has a deleterious effect on protein structure/function; Observed in the heterozygous state by exome sequencing in published literature in an individual with a biochemical diagnosis of Niemann-Pick disease type C who harbored two variants in the NPC1 gene (PMID: 29453517); This variant is associated with the following publications: (PMID: 29453517)

Revvity Omics, Revvity
Classification: Uncertain significance for Mitochondrial complex I deficiency, nuclear type 3. Last evaluated: 2023-11-03. Review status: criteria provided, single submitter. Criteria: ACMG Guidelines, 2015. Collection method: clinical testing. Allele origin: germline.

New York Genome Center
Classification: Uncertain significance for Mitochondrial complex I deficiency, nuclear type 3. Last evaluated: 2021-11-23. Review status: criteria provided, single submitter. Criteria: NYGC Assertion Criteria 2020. Collection method: clinical testing. Allele origin: germline. Observed: 1 heterozygote. Study: CSER-NYCKidSeq.